The following is an entry in ClinVar:

ClinVar aggregate classification (germline): Pathogenic. Review status: criteria provided, multiple submitters, no conflicts (2 of 4 stars). 2 submissions from 2 submitters: Pathogenic (2). Last evaluated 2023-03-19.

Conditions:
Familial thoracic aortic aneurysm and aortic dissection (TAAD). Also called: Thoracic aortic aneurysms and dissections. Identifiers: Orphanet 91387, MedGen C4707243, MONDO:0019625.
Marfan syndrome (MFS). Also called: FBN1-Related Marfan Syndrome; Marfan syndrome type 1; Marfan's syndrome; Marfan syndrome, classic; MARFAN SYNDROME, TYPE I. Identifiers: Orphanet 284963, Orphanet 558, MedGen C0024796, MONDO:0007947, OMIM 154700.

Submissions (2):

Ambry Genetics
Classification: Pathogenic for Familial thoracic aortic aneurysm and aortic dissection. Last evaluated: 2023-03-19. Review status: criteria provided, single submitter. Criteria: Ambry Variant Classification Scheme 2023. Collection method: clinical testing. Allele origin: germline.
Comment: The c.3945dupA pathogenic mutation, located in coding exon 31 of the FBN1 gene, results from a duplication of A at nucleotide position 3945, causing a translational frameshift with a predicted alternate stop codon (p.G1316Rfs*10). This alteration has been observed in at least one individual with a personal and/or family history that is consistent with FBN1-related disease (Ambry internal data). This variant is considered to be rare based on population cohorts in the Genome Aggregation Database (gnomAD). In addition, this alteration is expected to result in loss of function by premature protein truncation or nonsense-mediated mRNA decay. As such, this alteration is interpreted as a disease-causing mutation.

Labcorp Genetics (formerly Invitae), Labcorp
Classification: Pathogenic for Marfan syndrome; Familial thoracic aortic aneurysm and aortic dissection. Last evaluated: 2018-11-27. Review status: criteria provided, single submitter. Criteria: Invitae Variant Classification Sherloc (09022015). Collection method: clinical testing. Allele origin: germline.
Comment: This sequence change creates a premature translational stop signal (p.Gly1316Argfs*10) in the FBN1 gene. It is expected to result in an absent or disrupted protein product. This variant is not present in population databases (ExAC no frequency). This variant has not been reported in the literature in individuals with FBN1-related conditions. Loss-of-function variants in FBN1 are known to be pathogenic (PMID: 17657824, 19293843). For these reasons, this variant has been classified as Pathogenic.

Literature cited by the submitters: PubMed 17657824 (cited by Labcorp Genetics (formerly Invitae), Labcorp); PubMed 19293843 (cited by Labcorp Genetics (formerly Invitae), Labcorp).

NM_000138.5(FBN1):c.3945dup (p.Gly1316fs)

Gene: FBN1 (fibrillin 1; minus strand). Cytogenetic location: 15q21.1.
Variant type: Duplication.
Coding change: c.3945dup on transcript NM_000138.5 (MANE Select); coding-DNA position 3945, one base duplicated (A; older notation c.3945dupA).
Protein change: p.Gly1316fs; shifts the reading frame from glycine 1316.
Molecular consequence: frameshift variant.
Genome position (GRCh38, 1-based): chr15:48,481,674, T duplicated on the plus strand (A on the coding strand, the reverse complement: FBN1 is on the minus strand); the first of 6 consecutive T bases (chr15:48,481,674-48,481,679); duplicating any one gives the same sequence. VCF-style (leftmost placement, unchanged base first): chr15-48481673-C-CT. GRCh37 (hg19) VCF-style: chr15-48773870-C-CT.
Other names: c.3945dupA (NM_000138.4); short protein forms G1316fs.
Identifiers: ClinVar variation 661986 (VCV000661986.8), dbSNP rs1555398144, ClinGen allele CA645587582.
Genomic context (GRCh38, chr15:48,481,673, plus strand): 5'-TTAACTACTTAATATTTTATTGTTCTACTTGAACAAACACACCTGTACAGCCAGTTTTTC[C>CT]TTTTTTGCCGGAGTAGCCCATATCACAGTGGCAGATAAATGAGCCTTTCGTGTTTTCACA-3'